The following is an entry in ClinVar:

ClinVar aggregate classification (germline): Uncertain significance (1 of 4 stars; one submission).

Allele frequency attached by ClinVar (database versions not stated): gnomAD exomes below 0.00001 and 0.00001; TOPMed below 0.00001; gnomAD 0.00001.
gnomAD v4.1: 2 of 1,613,420 alleles (0.00012%); highest among the groups gnomAD compares: Non-Finnish European, 0.00017%; no homozygotes.

Submission:

Labcorp Genetics (formerly Invitae), Labcorp
Classification: Uncertain significance. Last evaluated: 2020-09-04. Review status: criteria provided, single submitter. Criteria: Invitae Variant Classification Sherloc (09022015). Collection method: clinical testing. Allele origin: germline.
Comment: This variant has not been reported in the literature in individuals with ATR-related conditions. In summary, the available evidence is currently insufficient to determine the role of this variant in disease. Therefore, it has been classified as a Variant of Uncertain Significance. Algorithms developed to predict the effect of missense changes on protein structure and function (SIFT, PolyPhen-2, Align-GVGD) all suggest that this variant is likely to be tolerated, but these predictions have not been confirmed by published functional studies and their clinical significance is uncertain. This variant is not present in population databases (ExAC no frequency). This sequence change replaces arginine with glycine at codon 161 of the ATR protein (p.Arg161Gly). The arginine residue is weakly conserved and there is a moderate physicochemical difference between arginine and glycine.

NM_001184.4(ATR):c.481A>G (p.Arg161Gly)

Gene: ATR (ATR checkpoint kinase; minus strand). Cytogenetic location: 3q23.
Variant type: single nucleotide variant.
Coding change: c.481A>G on transcript NM_001184.4 (MANE Select); coding-DNA position 481, A replaced by G.
Protein change: p.Arg161Gly; replaces arginine 161 with glycine.
Molecular consequence: missense variant.
Genome position (GRCh38, 1-based): chr3:142,562,921, T>C on the plus strand (A>G on the coding strand, the complement: ATR is on the minus strand). VCF-style: chr3-142562921-T-C. GRCh37 (hg19) VCF-style: chr3-142281763-T-C.
Other names: c.481A>G, p.Arg161Gly (NM_001354579.2); short protein forms R161G.
Identifiers: ClinVar variation 1007065 (VCV001007065.8), dbSNP rs1270715750, ClinGen allele CA354826800.
Genomic context (GRCh38, chr3:142,562,921, plus strand): 5'-GACTTAAAAATCGGCTCATGACCACTGGCCATTCCACAGCATGACCCATCACATTTCTTC[T>C]ATGGAGGTAAACCAAGTCTTCAAAAAGTTGTAATAATTCTTTTGTGAGTACCCCAAAAAT-3'
Protein context (NP_001175.2, residues 151-171): QLFEDLVYLH[Arg161Gly]RNVMGHAVEW